The following is an entry in ClinVar:

ClinVar aggregate classification (germline): Uncertain significance (1 of 4 stars; one submission).

Conditions:
Sandhoff disease. Also called: GM2-GANGLIOSIDOSIS, TYPE II; HEXOSAMINIDASES A AND B DEFICIENCY; Beta-hexosaminidase-beta-subunit deficiency; GM2 gangliosidosis, type 2; Total hexosaminidase deficiency; Sandhoff-Jatzkewitz-Pilz disease. Identifiers: Orphanet 796, MedGen C0036161, MONDO:0010006, OMIM 268800.

Allele frequency attached by ClinVar (database versions not stated): ExAC 0.00002; gnomAD 0.00002; gnomAD exomes 0.00002; TOPMed 0.00002.
gnomAD v4.1: 32 of 1,506,370 alleles (0.0021%); highest among the groups gnomAD compares: Non-Finnish European, 0.0029%; no homozygotes.

Submission:

Labcorp Genetics (formerly Invitae), Labcorp
Classification: Uncertain significance for Sandhoff disease. Last evaluated: 2022-04-18. Review status: criteria provided, single submitter. Criteria: Invitae Variant Classification Sherloc (09022015). Collection method: clinical testing. Allele origin: germline.
Comment: This sequence change replaces lysine, which is basic and polar, with threonine, which is neutral and polar, at codon 257 of the HEXB protein (p.Lys257Thr). This variant is present in population databases (rs749061539, gnomAD 0.004%). This variant has not been reported in the literature in individuals affected with HEXB-related conditions. Algorithms developed to predict the effect of missense changes on protein structure and function (SIFT, PolyPhen-2, Align-GVGD) all suggest that this variant is likely to be tolerated. In summary, the available evidence is currently insufficient to determine the role of this variant in disease. Therefore, it has been classified as a Variant of Uncertain Significance.

NM_000521.4(HEXB):c.770A>C (p.Lys257Thr)

Gene: HEXB (hexosaminidase subunit beta; plus strand). Cytogenetic location: 5q13.3.
Variant type: single nucleotide variant.
Coding change: c.770A>C on transcript NM_000521.4 (MANE Select); coding-DNA position 770, A replaced by C.
Protein change: p.Lys257Thr; replaces lysine 257 with threonine.
Molecular consequence: missense variant.
Genome position (GRCh38, 1-based): chr5:74,705,319, A>C. VCF-style: chr5-74705319-A-C. GRCh37 (hg19) VCF-style: chr5-74001144-A-C.
Other names: c.95A>C, p.Lys32Thr (NM_001292004.2); short protein forms K32T, K257T.
Identifiers: ClinVar variation 2153531 (VCV002153531.1), dbSNP rs749061539, ClinGen allele CA3305928.